The following is an entry in ClinVar:

ClinVar aggregate classification (germline): Uncertain significance (1 of 4 stars; one submission).

Submission:

GeneDx
Classification: Uncertain significance. Last evaluated: 2022-01-19. Review status: criteria provided, single submitter. Criteria: GeneDx Variant Classification Process June 2021. Collection method: clinical testing. Allele origin: germline. Affected: yes.
Comment: Not observed at significant frequency in large population cohorts (gnomAD); In silico analysis supports that this missense variant has a deleterious effect on protein structure/function; Has not been previously published as pathogenic or benign to our knowledge

NM_001394062.1(MACF1):c.15791T>A (p.Ile5264Asn)

Gene: MACF1 (microtubule actin crosslinking factor 1; plus strand). Cytogenetic location: 1p34.3.
Variant type: single nucleotide variant.
Coding change: c.15791T>A on transcript NM_001394062.1 (MANE Select); coding-DNA position 15791, T replaced by A.
Protein change: p.Ile5264Asn; replaces isoleucine 5264 with asparagine.
Molecular consequence: missense variant.
Genome position (GRCh38, 1-based): chr1:39,388,633, T>A. VCF-style: chr1-39388633-T-A. GRCh37 (hg19) VCF-style: chr1-39854305-T-A.
Other names: c.9605T>A, p.Ile3202Asn (NM_012090.5); short protein forms I3202N, I5264N.
Identifiers: ClinVar variation 1698116 (VCV001698116.2), dbSNP rs2148569272, ClinGen allele CA339748157.